The following is an entry in ClinVar:

ClinVar aggregate classification (germline): Uncertain significance. Review status: criteria provided, multiple submitters, no conflicts (2 of 4 stars). 4 submissions from 4 submitters: Uncertain significance (4). Last evaluated 2025-10-01.

Conditions:
IGF1R-related disorder. Also called: IGF1R-related condition.
Inborn genetic diseases. Identifiers: MedGen C0950123, MeSH D030342.
Growth delay due to insulin-like growth factor I resistance. Also called: Somatomedin end-organ insensitivity to; Somatomedin-c resistance to; IGF-1 resistance; IGF-I RESISTANCE; Insulin-Like Growth Factor I Resistance. Identifiers: Orphanet 73273, MedGen C1849157, MONDO:0010038, OMIM 270450.

Allele frequency attached by ClinVar (database versions not stated): gnomAD exomes 0.00005; gnomAD 0.00011; TOPMed 0.00017.

Submissions (4):

Labcorp Genetics (formerly Invitae), Labcorp
Classification: Uncertain significance. Last evaluated: 2025-10-01. Review status: criteria provided, single submitter. Criteria: Invitae Variant Classification Sherloc (09022015). Collection method: clinical testing. Allele origin: germline.
Comment: This sequence change replaces glutamic acid, which is acidic and polar, with lysine, which is basic and polar, at codon 1356 of the IGF1R protein (p.Glu1356Lys). This variant is present in population databases (rs746562843, gnomAD 0.01%). This missense change has been observed in individual(s) with clinical features of IGF1R-related conditions (PMID: 30848790, 31586944). ClinVar contains an entry for this variant (Variation ID: 1029965). An algorithm developed to predict the effect of missense changes on protein structure and function (PolyPhen-2) suggests that this variant is likely to be disruptive. Experimental studies are conflicting or provide insufficient evidence to determine the effect of this variant on IGF1R function (PMID: 31586944). In summary, the available evidence is currently insufficient to determine the role of this variant in disease. Therefore, it has been classified as a Variant of Uncertain Significance.

PreventionGenetics, part of Exact Sciences
Classification: Uncertain significance for IGF1R-related condition. Last evaluated: 2023-09-20. Review status: criteria provided, single submitter. Criteria: ACMG Guidelines, 2015. Collection method: clinical testing. Allele origin: germline.
Comment: The IGF1R c.4066G>A variant is predicted to result in the amino acid substitution p.Glu1356Lys. This variant was reported in two individuals with growth retardation, with an in vitro study showing decreased AKT phosphorylation (Walenkamp. 2019. PubMed ID: 30848790; Giabicani. 2019. PubMed ID: 31586944). This variant is reported in 0.011% of alleles in individuals of Latino descent in gnomAD. At this time, the clinical significance of this variant is uncertain due to the absence of conclusive functional and genetic evidence.

Ambry Genetics
Classification: Uncertain significance for Inborn genetic diseases. Last evaluated: 2022-05-09. Review status: criteria provided, single submitter. Criteria: Ambry Variant Classification Scheme 2023. Collection method: clinical testing. Allele origin: germline.

Baylor Genetics
Classification: Uncertain significance for Growth delay due to insulin-like growth factor I resistance. Last evaluated: 2020-06-03. Review status: criteria provided, single submitter. Criteria: ACMG Guidelines, 2015. Collection method: clinical testing. Allele origin: unknown. Affected: yes.
Comment: This variant was determined to be of uncertain significance according to ACMG Guidelines, 2015 [PMID:25741868].

Literature cited by the submitters: PubMed 30848790 (cited by Labcorp Genetics (formerly Invitae), Labcorp); PubMed 31586944 (cited by Labcorp Genetics (formerly Invitae), Labcorp and Ambry Genetics).

NM_000875.5(IGF1R):c.4066G>A (p.Glu1356Lys)

Gene: IGF1R (insulin like growth factor 1 receptor; plus strand). Cytogenetic location: 15q26.3.
Variant type: single nucleotide variant.
Coding change: c.4066G>A on transcript NM_000875.5 (MANE Select); coding-DNA position 4066, G replaced by A.
Protein change: p.Glu1356Lys; replaces glutamic acid 1356 with lysine.
Molecular consequence: missense variant.
Genome position (GRCh38, 1-based): chr15:98,957,404, G>A. VCF-style: chr15-98957404-G-A. GRCh37 (hg19) VCF-style: chr15-99500633-G-A.
Other names: c.4066G>A (NM_000875.4); c.4063G>A, p.Glu1355Lys (NM_001291858.2); short protein forms E1355K, E1356K.
Identifiers: ClinVar variation 1029965 (VCV001029965.8), dbSNP rs746562843, ClinGen allele CA275332989.